The following is an entry in ClinVar:

ClinVar aggregate classification (germline): Benign/Likely benign. Review status: criteria provided, multiple submitters, no conflicts (2 of 4 stars). 2 submissions from 2 submitters: Benign (1); Likely benign (1). Last evaluated 2026-06-01.

Allele frequency attached by ClinVar (database versions not stated): gnomAD 0.00007; 1000 Genomes Project 0.00020; TOPMed 0.00029; 1000 Genomes Project 30x 0.00031.
gnomAD v4.1: 185 of 1,614,104 alleles (0.011%); highest among the groups gnomAD compares: Admixed American, 0.3%; 1 homozygote.

Submissions (2):

CeGaT Center for Human Genetics Tuebingen
Classification: Likely benign. Last evaluated: 2026-06-01. Review status: criteria provided, single submitter. Criteria: CeGaT Center For Human Genetics Tuebingen Variant Classification Criteria Version 2. Collection method: clinical testing. Allele origin: germline. Affected: yes. Observed: 1 variant allele.
Comment: JAM3: BP4, BP7

Labcorp Genetics (formerly Invitae), Labcorp
Classification: Benign. Last evaluated: 2025-11-10. Review status: criteria provided, single submitter. Criteria: Invitae Variant Classification Sherloc (09022015). Collection method: clinical testing. Allele origin: germline.

NM_032801.5(JAM3):c.771C>T (p.Ala257=)

Gene: JAM3 (junctional adhesion molecule 3; plus strand). Cytogenetic location: 11q25.
Variant type: single nucleotide variant.
Coding change: c.771C>T on transcript NM_032801.5 (MANE Select); coding-DNA position 771, C replaced by T.
Protein change: p.Ala257=; no amino-acid change (alanine 257 retained).
Molecular consequence: synonymous variant.
Genome position (GRCh38, 1-based): chr11:134,148,605, C>T. VCF-style: chr11-134148605-C-T. GRCh37 (hg19) VCF-style: chr11-134018500-C-T.
Other names: c.618C>T, p.Ala206= (NM_001205329.2).
Identifiers: ClinVar variation 723200 (VCV000723200.12), dbSNP rs201770276, ClinGen allele CA6370198.